The following is an entry in ClinVar:

ClinVar aggregate classification (germline): Benign/Likely benign. Review status: criteria provided, multiple submitters, no conflicts (2 of 4 stars). 3 submissions from 3 submitters: Benign (1); Likely benign (2). Last evaluated 2025-10-04.

Allele frequency attached by ClinVar (database versions not stated): TOPMed 0.00003; gnomAD 0.00004 and 0.00009; gnomAD exomes 0.00017 and 0.00032; ExAC 0.00034.
gnomAD v4.1: 259 of 1,611,470 alleles (0.016%); highest among the groups gnomAD compares: South Asian, 0.25%; 4 homozygotes.

Submissions (3):

Labcorp Genetics (formerly Invitae), Labcorp
Classification: Benign. Last evaluated: 2025-10-04. Review status: criteria provided, single submitter. Criteria: Invitae Variant Classification Sherloc (09022015). Collection method: clinical testing. Allele origin: germline.

CeGaT Center for Human Genetics Tuebingen
Classification: Likely benign. Last evaluated: 2024-03-01. Review status: criteria provided, single submitter. Criteria: CeGaT Center For Human Genetics Tuebingen Variant Classification Criteria Version 2. Collection method: clinical testing. Allele origin: germline. Affected: yes. Observed: 1 variant allele.
Comment: RINT1: BS2

Ambry Genetics
Classification: Likely benign. Last evaluated: 2021-11-30. Review status: criteria provided, single submitter. Criteria: Ambry Variant Classification Scheme 2023. Collection method: clinical testing. Allele origin: germline.

NM_021930.6(RINT1):c.1101C>T (p.Asn367=)

Gene: RINT1 (RAD50 interactor 1; plus strand). Cytogenetic location: 7q22.3.
Variant type: single nucleotide variant.
Coding change: c.1101C>T on transcript NM_021930.6 (MANE Select); coding-DNA position 1101, C replaced by T.
Protein change: p.Asn367=; no amino-acid change (asparagine 367 retained).
Molecular consequence: synonymous variant. On other transcripts: non-coding transcript variant (1).
Genome position (GRCh38, 1-based): chr7:105,550,159, C>T. VCF-style: chr7-105550159-C-T. GRCh37 (hg19) VCF-style: chr7-105190606-C-T.
Other names: c.867C>T, p.Asn289= (NM_001346599.2); c.78C>T, p.Asn26= (NM_001346600.2, NM_001346603.2); c.177C>T, p.Asn59= (NM_001346601.2).
Identifiers: ClinVar variation 416392 (VCV000416392.35), dbSNP rs770071693, ClinGen allele CA4426594.